The following is an entry in ClinVar:

ClinVar aggregate classification (germline): Conflicting classifications of pathogenicity. Review status: criteria provided, conflicting classifications (1 of 4 stars). 7 submissions from 7 submitters: Uncertain significance (5); Likely benign (1). 1 of the submissions does not count toward it. Last evaluated 2025-12-30.

Conditions:
Hereditary cancer-predisposing syndrome. Also called: Neoplastic Syndromes, Hereditary; Hereditary neoplastic syndrome; Hereditary Cancer Syndrome; Tumor predisposition. Identifiers: Orphanet 140162, MedGen C0027672, MeSH D009386, MONDO:0015356.
Breast-ovarian cancer, familial, susceptibility to, 1 (BROVCA1). Also called: BRCA1 Hereditary Breast and Ovarian Cancer; OVARIAN CANCER, SUSCEPTIBILITY TO. Identifiers: Orphanet 145, MedGen C2676676, MONDO:0011450, OMIM 604370. Disease mechanism: loss of function.
Hereditary breast ovarian cancer syndrome. Also called: Hereditary breast and ovarian cancer syndrome; Breast and ovarian cancer; Hereditary breast and ovarian cancer syndrome (HBOC); Hereditary breast and/or ovarian cancer syndrome; BRCA1- and BRCA2-Associated Hereditary Breast and Ovarian Cancer; Hereditary breast and ovarian cancer. Identifiers: Orphanet 145, MedGen C0677776, MeSH D061325, MONDO:0003582. Disease mechanism: loss of function.

Allele frequency attached by ClinVar (database versions not stated): gnomAD exomes below 0.00001; gnomAD 0.00001.
gnomAD v4.1: 2 of 1,613,642 alleles (0.00012%); highest among the groups gnomAD compares: Admixed American, 0.0033%; no homozygotes.

Submissions (7):

Ambry Genetics
Classification: Uncertain significance for Hereditary cancer-predisposing syndrome. Last evaluated: 2025-12-30. Review status: criteria provided, single submitter. Criteria: Ambry Variant Classification Scheme 2023. Collection method: clinical testing. Allele origin: germline.
Comment: The p.A870V variant (also known as c.2609C>T), located in coding exon 9 of the BRCA1 gene, results from a C to T substitution at nucleotide position 2609. The alanine at codon 870 is replaced by valine, an amino acid with similar properties. This amino acid position is well conserved in available vertebrate species. In addition, the in silico prediction for this alteration is inconclusive. Based on the available evidence, the clinical significance of this variant remains unclear.

Labcorp Genetics (formerly Invitae), Labcorp
Classification: Uncertain significance for Hereditary breast ovarian cancer syndrome. Last evaluated: 2025-05-19. Review status: criteria provided, single submitter. Criteria: Invitae Variant Classification Sherloc (09022015). Collection method: clinical testing. Allele origin: germline.
Comment: This sequence change replaces alanine, which is neutral and non-polar, with valine, which is neutral and non-polar, at codon 870 of the BRCA1 protein (p.Ala870Val). This variant is not present in population databases (gnomAD no frequency). This variant has not been reported in the literature in individuals affected with BRCA1-related conditions. ClinVar contains an entry for this variant (Variation ID: 409297). Invitae Evidence Modeling of protein sequence and biophysical properties (such as structural, functional, and spatial information, amino acid conservation, physicochemical variation, residue mobility, and thermodynamic stability) has been performed for this missense variant. However, the output from this modeling did not meet the statistical confidence thresholds required to predict the impact of this variant on BRCA1 protein function. In summary, the available evidence is currently insufficient to determine the role of this variant in disease. Therefore, it has been classified as a Variant of Uncertain Significance.

St. Jude Molecular Pathology, St. Jude Children's Research Hospital
Classification: Uncertain significance for Breast-ovarian cancer, familial, susceptibility to, 1. Last evaluated: 2023-10-25. Review status: criteria provided, single submitter. Criteria: St. Jude Assertion Criteria 2020. Collection method: clinical testing. Allele origin: germline.
Comment: The BRCA1 c.2609C>T (p.Ala870Val) missense change is absent in gnomAD v2.1.1. The in silico tool REVEL predicts a deleterious effect on protein function, but to our knowledge this prediction has not been confirmed by functional studies. This variant is absent in the FLOSSIES database which contains genetic variants from women older than 70 years of age who have never had cancer. To our knowledge, this variant has not been reported in individuals with hereditary breast and ovarian cancer or Fanconi anemia. In summary, the evidence currently available is insufficient to determine the clinical significance of this variant. It has therefore been classified as of uncertain significance.?

All of Us Research Program, National Institutes of Health
Classification: Uncertain significance for Breast-ovarian cancer, familial, susceptibility to, 1. Last evaluated: 2023-05-31. Review status: criteria provided, single submitter. Criteria: ACMG Guidelines, 2015. Collection method: clinical testing. Allele origin: germline. Inheritance: Autosomal dominant inheritance. Observed: 1 variant allele, 1 heterozygote.
Comment: This missense variant replaces alanine with valine at codon 870 of the BRCA1 protein. Computational prediction suggests that this variant may have deleterious impact on protein structure and function (internally defined REVEL score threshold >= 0.7, PMID: 27666373). To our knowledge, functional studies have not been reported for this variant. This variant has not been reported in individuals affected with hereditary cancer in the literature. This variant has not been identified in the general population by the Genome Aggregation Database (gnomAD). The available evidence is insufficient to determine the role of this variant in disease conclusively. Therefore, this variant is classified as a Variant of Uncertain Significance.

This study involves interpretation of variants in research participants for the purpose of population health screening. Participant phenotype was not available at the time of variant classification. Additional details can be found in publication PMID: 35346344, PMCID: PMC8962531

University of Washington Department of Laboratory Medicine, University of Washington
Classification: Likely benign for Hereditary cancer-predisposing syndrome. Last evaluated: 2023-03-23. Review status: criteria provided, single submitter. Criteria: Dines et al. (Genet Med. 2020). Collection method: curation. Allele origin: germline.
Comment: Missense variant in a coldspot region where missense variants are very unlikely to be pathogenic (PMID:31911673).

BRCA1 coldspot (exon 11 using historical exon numbering). Reclassification based on statistical prior probability

GeneDx
Classification: Uncertain significance. Last evaluated: 2019-08-13. Review status: criteria provided, single submitter. Criteria: GeneDx Variant Classification Process June 2021. Collection method: clinical testing. Allele origin: germline. Affected: yes.
Comment: Not observed in large population cohorts (Lek et al., 2016); In silico analysis, which includes protein predictors and evolutionary conservation, supports a deleterious effect; Has not been previously published as pathogenic or benign to our knowledge

BRCAlab, Lund University
Classification: Uncertain significance for Breast-ovarian cancer, familial, susceptibility to, 1. Last evaluated: 2020-03-02. Review status: no assertion criteria provided. Collection method: clinical testing. Allele origin: germline. Affected: yes. Not counted in ClinVar's aggregate classification.

NM_007294.4(BRCA1):c.2609C>T (p.Ala870Val)

Gene: BRCA1 (BRCA1 DNA repair associated; minus strand). Cytogenetic location: 17q21.31.
Variant type: single nucleotide variant.
Coding change: c.2609C>T on transcript NM_007294.4 (MANE Select); coding-DNA position 2609, C replaced by T.
Protein change: p.Ala870Val; replaces alanine 870 with valine.
Molecular consequence: missense variant. On other transcripts: intron variant (137).
Genome position (GRCh38, 1-based): chr17:43,092,922, G>A on the plus strand (C>T on the coding strand, the complement: BRCA1 is on the minus strand). VCF-style: chr17-43092922-G-A. GRCh37 (hg19) VCF-style: chr17-41244939-G-A.
Other names: c.2606C>T, p.Ala869Val (NM_001407612.1, NM_001407613.1, NM_001407614.1 and 22 more transcripts); c.2609C>T, p.Ala870Val (NM_001407616.1, NM_001407617.1, NM_001407618.1 and 30 more transcripts); c.2531C>T, p.Ala844Val (NM_001407653.1, NM_001407654.1, NM_001407655.1 and 4 more transcripts); c.2528C>T, p.Ala843Val (NM_001407659.1, NM_001407660.1, NM_001407661.1 and 1 more transcripts); c.2483C>T, p.Ala828Val (NM_001407672.1, NM_001407673.1, NM_001407691.1 and 11 more transcripts); c.2486C>T, p.Ala829Val (NM_001407674.1, NM_001407675.1, NM_001407676.1 and 19 more transcripts); c.2468C>T, p.Ala823Val (NM_001407692.1, NM_001407694.1, NM_001407695.1 and 29 more transcripts); c.2465C>T, p.Ala822Val (NM_001407740.1, NM_001407741.1, NM_001407742.1 and 20 more transcripts); and 41 more; short protein forms A870V, A823V, A743V, A782V, A799V, A828V, A867V, A574V.
Identifiers: ClinVar variation 409297 (VCV000409297.27), dbSNP rs1060502324, ClinGen allele CA10596775.